The following is an entry in ClinVar:

NM_058216.3(RAD51C):c.609T>C (p.Asn203=)

Genes: RAD51C (RAD51 paralog C; plus strand), LOC129390903 (MPRA-validated peak2919 silencer; plus strand). Cytogenetic location: 17q22.
Variant type: single nucleotide variant.
Coding change: c.609T>C on transcript NM_058216.3 (MANE Select); coding-DNA position 609, T replaced by C.
Protein change: p.Asn203=; no amino-acid change (asparagine 203 retained).
Molecular consequence: synonymous variant. On other transcripts: non-coding transcript variant (1).
Genome position (GRCh38, 1-based): chr17:58,703,233, T>C. VCF-style: chr17-58703233-T-C. GRCh37 (hg19) VCF-style: chr17-56780594-T-C.
Identifiers: ClinVar variation 3429700 (VCV003429700.2).

ClinVar aggregate classification (germline): Benign/Likely benign. Review status: criteria provided, multiple submitters, no conflicts (2 of 4 stars). 2 submissions from 2 submitters: Benign (1); Likely benign (1). Last evaluated 2025-02-18.

Conditions:
Hereditary cancer-predisposing syndrome. Also called: Neoplastic Syndromes, Hereditary; Tumor predisposition; Hereditary Cancer Syndrome; Hereditary neoplastic syndrome. Identifiers: Orphanet 140162, MedGen C0027672, MeSH D009386, MONDO:0015356.
Breast-ovarian cancer, familial, susceptibility to, 3. Also called: RAD51C-Related Breast/Ovarian Cancer. Identifiers: Orphanet 145, MedGen C3150659, MONDO:0013253, OMIM 613399.

Submissions (2):

Myriad Genetics, Inc.
Classification: Benign for Breast-ovarian cancer, familial, susceptibility to, 3. Last evaluated: 2025-02-18. Review status: criteria provided, single submitter. Criteria: Myriad Autosomal Dominant, Autosomal Recessive and X-Linked Classification Criteria (2023). Collection method: clinical testing. Allele origin: unknown.
Comment: This variant is considered benign. This variant is a silent/synonymous amino acid change and it is not expected to impact splicing.

Ambry Genetics
Classification: Likely benign for Hereditary cancer-predisposing syndrome. Last evaluated: 2024-09-19. Review status: criteria provided, single submitter. Criteria: Ambry Variant Classification Scheme 2023. Collection method: clinical testing. Allele origin: germline.